The following is an entry in ClinVar:

NM_004304.5(ALK):c.383A>C (p.Lys128Thr)

Gene: ALK (ALK receptor tyrosine kinase; minus strand). Cytogenetic location: 2p23.1.
Variant type: single nucleotide variant.
Coding change: c.383A>C on transcript NM_004304.5 (MANE Select); coding-DNA position 383, A replaced by C.
Protein change: p.Lys128Thr; replaces lysine 128 with threonine.
Molecular consequence: missense variant.
Genome position (GRCh38, 1-based): chr2:29,920,277, T>G on the plus strand (A>C on the coding strand, the complement: ALK is on the minus strand). VCF-style: chr2-29920277-T-G. GRCh37 (hg19) VCF-style: chr2-30143143-T-G.
Other names: short protein forms K128T.
Identifiers: ClinVar variation 2112064 (VCV002112064.4), dbSNP rs756510939, ClinGen allele CA346590152.

ClinVar aggregate classification (germline): Uncertain significance (1 of 4 stars; one submission).

Conditions:
Neuroblastoma, susceptibility to, 3. Also called: ALK-Related Neuroblastic Tumor Susceptibility. Identifiers: Orphanet 635, MedGen C2751681, MONDO:0013083, OMIM 613014.

Submission:

Labcorp Genetics (formerly Invitae), Labcorp
Classification: Uncertain significance for Neuroblastoma, susceptibility to, 3. Last evaluated: 2022-03-14. Review status: criteria provided, single submitter. Criteria: Invitae Variant Classification Sherloc (09022015). Collection method: clinical testing. Allele origin: germline.
Comment: In summary, the available evidence is currently insufficient to determine the role of this variant in disease. Therefore, it has been classified as a Variant of Uncertain Significance. Algorithms developed to predict the effect of missense changes on protein structure and function are either unavailable or do not agree on the potential impact of this missense change (SIFT: "Deleterious"; PolyPhen-2: "Probably Damaging"; Align-GVGD: "Class C0"). This variant has not been reported in the literature in individuals affected with ALK-related conditions. This variant is not present in population databases (gnomAD no frequency). This sequence change replaces lysine, which is basic and polar, with threonine, which is neutral and polar, at codon 128 of the ALK protein (p.Lys128Thr).